The following is an entry in ClinVar:

ClinVar aggregate classification (germline): Likely benign (1 of 4 stars; one submission).

Conditions:
WDPCP-related disorder. Also called: WDPCP-related condition.

Submission:

PreventionGenetics, part of Exact Sciences
Classification: Likely benign for WDPCP-related condition. Last evaluated: 2026-06-28. Review status: criteria provided, single submitter. Criteria: ACMG Guidelines, 2015. Collection method: clinical testing. Allele origin: germline.
Comment: This variant is classified as likely benign based on ACMG/AMP sequence variant interpretation guidelines (Richards et al. 2015 PMID: 25741868, with internal and published modifications).

NM_015910.7(WDPCP):c.500-10T>C

Gene: WDPCP (WD repeat containing planar cell polarity effector; minus strand). Cytogenetic location: 2p15.
Variant type: single nucleotide variant.
Coding change: c.500-10T>C on transcript NM_015910.7 (MANE Select); 10 bases into the intron before coding-DNA position 500, T replaced by C.
Molecular consequence: intron variant.
Genome position (GRCh38, 1-based): chr2:63,437,564, A>G on the plus strand (T>C on the coding strand, the complement: WDPCP is on the minus strand). VCF-style: chr2-63437564-A-G. GRCh37 (hg19) VCF-style: chr2-63664698-A-G.
Other names: c.428-10T>C (NM_001354044.2); c.23-10T>C (NM_001042692.3); c.500-10T>C (NM_001354045.2).
Identifiers: ClinVar variation 4986616 (VCV004986616.1).